The following is an entry in ClinVar:

ClinVar aggregate classification (germline): Uncertain significance. Review status: criteria provided, multiple submitters, no conflicts (2 of 4 stars). 3 submissions from 3 submitters: Uncertain significance (3). Last evaluated 2025-11-17.

Conditions:
Gnathodiaphyseal dysplasia (GDD). Also called: GNATHODIAPHYSEAL SCLEROSIS; OSTEOGENESIS IMPERFECTA WITH UNUSUAL SKELETAL LESIONS. Identifiers: Orphanet 53697, MedGen C1833736, MONDO:0008151, OMIM 166260.
Autosomal recessive limb-girdle muscular dystrophy type 2L (LGMDR12). Also called: Limb-girdle muscular dystrophy, type 2L; MUSCULAR DYSTROPHY, LIMB-GIRDLE, AUTOSOMAL RECESSIVE 12; Limb-Girdle Muscular Dystrophy R12 Anoctamin-5-Related (LGMD-R12). Identifiers: Orphanet 206549, MedGen C1969785, MONDO:0012652, OMIM 611307.

gnomAD v4.1: 2 of 1,613,052 alleles (0.00012%); highest among the groups gnomAD compares: African/African-American, 0.0013%; no homozygotes.

Submissions (3):

Labcorp Genetics (formerly Invitae), Labcorp
Classification: Uncertain significance for Autosomal recessive limb-girdle muscular dystrophy type 2L; Gnathodiaphyseal dysplasia. Last evaluated: 2025-11-17. Review status: criteria provided, single submitter. Criteria: Invitae Variant Classification Sherloc (09022015). Collection method: clinical testing. Allele origin: germline.
Comment: This sequence change replaces tyrosine, which is neutral and polar, with cysteine, which is neutral and slightly polar, at codon 129 of the ANO5 protein (p.Tyr129Cys). This variant is not present in population databases (gnomAD no frequency). This variant has not been reported in the literature in individuals affected with ANO5-related conditions. ClinVar contains an entry for this variant (Variation ID: 4077985). Invitae Evidence Modeling of protein sequence and biophysical properties (such as structural, functional, and spatial information, amino acid conservation, physicochemical variation, residue mobility, and thermodynamic stability) has been performed for this missense variant. However, the output from this modeling did not meet the statistical confidence thresholds required to predict the impact of this variant on ANO5 protein function. In summary, the available evidence is currently insufficient to determine the role of this variant in disease. Therefore, it has been classified as a Variant of Uncertain Significance.

GeneDx
Classification: Uncertain significance. Last evaluated: 2025-05-12. Review status: criteria provided, single submitter. Criteria: GeneDx Variant Classification Process June 2021. Collection method: clinical testing. Allele origin: germline. Affected: yes.
Comment: Not observed at significant frequency in large population cohorts (gnomAD); In silico analysis supports that this missense variant has a deleterious effect on protein structure/function; Has not been previously published as pathogenic or benign to our knowledge

Revvity Omics, Revvity
Classification: Uncertain significance. Last evaluated: 2024-03-12. Review status: criteria provided, single submitter. Criteria: ACMG Guidelines, 2015. Collection method: clinical testing. Allele origin: germline.

NM_213599.3(ANO5):c.386A>G (p.Tyr129Cys)

Gene: ANO5 (anoctamin 5; plus strand). Cytogenetic location: 11p14.3.
Variant type: single nucleotide variant.
Coding change: c.386A>G on transcript NM_213599.3 (MANE Select); coding-DNA position 386, A replaced by G.
Protein change: p.Tyr129Cys; replaces tyrosine 129 with cysteine.
Molecular consequence: missense variant.
Genome position (GRCh38, 1-based): chr11:22,227,324, A>G. VCF-style: chr11-22227324-A-G. GRCh37 (hg19) VCF-style: chr11-22248870-A-G.
Other names: c.383A>G, p.Tyr128Cys (NM_001142649.2); c.344A>G, p.Tyr115Cys (NM_001410963.1, NM_001441298.1, NM_001441300.1); c.341A>G, p.Tyr114Cys (NM_001410964.1, NM_001441299.1, NM_001441301.1); c.308A>G, p.Tyr103Cys (NM_001441294.1); c.305A>G, p.Tyr102Cys (NM_001441295.1); c.293A>G, p.Tyr98Cys (NM_001441296.1, NM_001441302.1); c.266A>G, p.Tyr89Cys (NM_001441297.1); short protein forms Y102C, Y103C, Y114C, Y115C, Y128C, Y129C, Y89C, Y98C.
Identifiers: ClinVar variation 4077985 (VCV004077985.3).
Genomic context (GRCh38, chr11:22,227,324, plus strand): 5'-AGTAAGCTTTCTGCTGTTTTGCCTTTTTTTTAATGCAGGACTCGGAAGATGGAAGAACTT[A>G]TTTTGTCAAGATCCATGCCCCTTGGGAGGTATTAGTTACCTATGCTGAAGTCTTGGGAAT-3'
Protein context (NP_998764.1, residues 119-139): DKRDSEDGRT[Tyr129Cys]FVKIHAPWEV